The following is an entry in ClinVar:

NM_006231.4(POLE):c.71G>A (p.Gly24Asp)

Gene: POLE (DNA polymerase epsilon, catalytic subunit; minus strand). Cytogenetic location: 12q24.33.
Variant type: single nucleotide variant.
Coding change: c.71G>A on transcript NM_006231.4 (MANE Select); coding-DNA position 71, G replaced by A.
Protein change: p.Gly24Asp; replaces glycine 24 with aspartic acid.
Molecular consequence: missense variant.
Genome position (GRCh38, 1-based): chr12:132,681,271, C>T on the plus strand (G>A on the coding strand, the complement: POLE is on the minus strand). VCF-style: chr12-132681271-C-T. GRCh37 (hg19) VCF-style: chr12-133257857-C-T.
Other names: c.71G>A (NM_006231.2); short protein forms G24D.
Identifiers: ClinVar variation 864222 (VCV000864222.10), dbSNP rs2043162480, ClinGen allele CA387370671.

ClinVar aggregate classification (germline): Uncertain significance. Review status: criteria provided, multiple submitters, no conflicts (2 of 4 stars). 2 submissions from 2 submitters: Uncertain significance (2). Last evaluated 2024-08-05.

Conditions:
Hereditary cancer-predisposing syndrome. Also called: Hereditary Cancer Syndrome; Tumor predisposition; Neoplastic Syndromes, Hereditary; Hereditary neoplastic syndrome. Identifiers: Orphanet 140162, MedGen C0027672, MeSH D009386, MONDO:0015356.

gnomAD v4.1: 1 of 1,614,218 alleles (0.000062%); highest among the groups gnomAD compares: Non-Finnish European, 0.000085%; no homozygotes.

Submissions (2):

Ambry Genetics
Classification: Uncertain significance for Hereditary cancer-predisposing syndrome. Last evaluated: 2024-08-05. Review status: criteria provided, single submitter. Criteria: Ambry Variant Classification Scheme 2023. Collection method: clinical testing. Allele origin: germline.

Labcorp Genetics (formerly Invitae), Labcorp
Classification: Uncertain significance. Last evaluated: 2023-01-28. Review status: criteria provided, single submitter. Criteria: Invitae Variant Classification Sherloc (09022015). Collection method: clinical testing. Allele origin: germline.
Comment: In summary, the available evidence is currently insufficient to determine the role of this variant in disease. Therefore, it has been classified as a Variant of Uncertain Significance. Algorithms developed to predict the effect of missense changes on protein structure and function (SIFT, PolyPhen-2, Align-GVGD) all suggest that this variant is likely to be tolerated. ClinVar contains an entry for this variant (Variation ID: 864222). This variant has not been reported in the literature in individuals affected with POLE-related conditions. This variant is not present in population databases (gnomAD no frequency). This sequence change replaces glycine, which is neutral and non-polar, with aspartic acid, which is acidic and polar, at codon 24 of the POLE protein (p.Gly24Asp).